The following is an entry in ClinVar:

NM_000038.6(APC):c.827A>G (p.Asn276Ser)

Gene: APC (APC regulator of Wnt signaling pathway; plus strand). Cytogenetic location: 5q22.2.
Variant type: single nucleotide variant.
Coding change: c.827A>G on transcript NM_000038.6 (MANE Select); coding-DNA position 827, A replaced by G.
Protein change: p.Asn276Ser; replaces asparagine 276 with serine.
Molecular consequence: missense variant. On other transcripts: 5 prime UTR variant (1).
Genome position (GRCh38, 1-based): chr5:112,801,376, A>G. VCF-style: chr5-112801376-A-G. GRCh37 (hg19) VCF-style: chr5-112137073-A-G.
Other names: c.827A>G, p.Asn276Ser (NM_001127510.3, NM_001354895.2, NM_001354896.2 and 1 more transcripts); c.773A>G, p.Asn258Ser (NM_001127511.3); c.857A>G, p.Asn286Ser (NM_001354897.2, NM_001354902.2); c.752A>G, p.Asn251Ser (NM_001354898.2, NM_001354904.2); c.743A>G, p.Asn248Ser (NM_001354899.2); c.650A>G, p.Asn217Ser (NM_001354900.2, NM_001354901.2, NM_001354905.2); c.-209A>G (NM_001354906.2); short protein forms N286S, N258S, N217S, N248S, N251S, N276S.
Identifiers: ClinVar variation 1036972 (VCV001036972.14), dbSNP rs1760810320, ClinGen allele CA16023136.
Genomic context (GRCh38, chr5:112,801,376, plus strand): 5'-ATGCTGAGCGGCAGAATGAAGGTCAAGGAGTGGGAGAAATCAACATGGCAACTTCTGGTA[A>G]TGGTCAGGTAAATAAATTATTTTATCATATTTTTTAAAATTATTTAAATATCAGAAAAGT-3'
Protein context (NP_000029.2, residues 266-286): VGEINMATSG[Asn276Ser]GQGSTTRMDH

ClinVar aggregate classification (germline): Conflicting classifications of pathogenicity. Review status: criteria provided, conflicting classifications (1 of 4 stars). 4 submissions from 4 submitters: Uncertain significance (3); Likely benign (1). Last evaluated 2025-11-19.

Conditions:
Classic or attenuated familial adenomatous polyposis. Identifiers: MedGen CN372698, MONDO:0021057.
Hereditary cancer-predisposing syndrome. Also called: Neoplastic Syndromes, Hereditary; Hereditary Cancer Syndrome; Tumor predisposition; Hereditary neoplastic syndrome. Identifiers: Orphanet 140162, MedGen C0027672, MeSH D009386, MONDO:0015356.
Familial adenomatous polyposis 1 (FAP1). Also called: FAMILIAL ADENOMATOUS POLYPOSIS 1, ATTENUATED; POLYPOSIS, ADENOMATOUS INTESTINAL. Identifiers: MedGen C2713442, MONDO:0021056, OMIM 175100. Disease mechanism: loss of function.

Submissions (4):

Labcorp Genetics (formerly Invitae), Labcorp
Classification: Uncertain significance for Familial adenomatous polyposis 1. Last evaluated: 2025-11-19. Review status: criteria provided, single submitter. Criteria: Invitae Variant Classification Sherloc (09022015). Collection method: clinical testing. Allele origin: germline.
Comment: This sequence change replaces asparagine, which is neutral and polar, with serine, which is neutral and polar, at codon 276 of the APC protein (p.Asn276Ser). This variant is not present in population databases (gnomAD no frequency). This variant has not been reported in the literature in individuals affected with APC-related conditions. ClinVar contains an entry for this variant (Variation ID: 1036972). Invitae Evidence Modeling of protein sequence and biophysical properties (such as structural, functional, and spatial information, amino acid conservation, physicochemical variation, residue mobility, and thermodynamic stability) indicates that this missense variant is not expected to disrupt APC protein function with a negative predictive value of 95%. In summary, the available evidence is currently insufficient to determine the role of this variant in disease. Therefore, it has been classified as a Variant of Uncertain Significance.

Quest Diagnostics Nichols Institute San Juan Capistrano
Classification: Uncertain significance. Last evaluated: 2025-11-07. Review status: criteria provided, single submitter. Criteria: Quest Diagnostics criteria. Collection method: clinical testing. Allele origin: unknown.
Comment: The APC c.827A>G (p.Asn276Ser) variant has not been reported in individuals with APC-related conditions in the published literature. This variant has not been reported in large, multi-ethnic general populations (Genome Aggregation Database). Analysis of this variant using bioinformatics tools for the prediction of the effect of amino acid changes on protein structure and function yielded predictions that this variant is benign. Based on the available information, we are unable to determine the clinical significance of this variant.

All of Us Research Program, National Institutes of Health
Classification: Uncertain significance for Classic or attenuated familial adenomatous polyposis. Last evaluated: 2023-05-08. Review status: criteria provided, single submitter. Criteria: ACMG Guidelines, 2015. Collection method: clinical testing. Allele origin: germline. Inheritance: Autosomal dominant inheritance. Observed: 1 variant allele, 1 heterozygote.
Comment: This study involves interpretation of variants in research participants for the purpose of population health screening. Participant phenotype was not available at the time of variant classification. Additional details can be found in publication PMID: 35346344, PMCID: PMC8962531

Ambry Genetics
Classification: Likely benign for Hereditary cancer-predisposing syndrome. Last evaluated: 2022-08-09. Review status: criteria provided, single submitter. Criteria: Ambry Variant Classification Scheme 2023. Collection method: clinical testing. Allele origin: germline.